The following is an entry in ClinVar:

ClinVar aggregate classification (germline): Uncertain significance (1 of 4 stars; one submission).

Conditions:
Immunodeficiency, common variable, 10. Also called: IMMUNODEFICIENCY, COMMON VARIABLE, WITH CENTRAL ADRENAL INSUFFICIENCY; DEFICIT IN ANTERIOR PITUITARY FUNCTION AND VARIABLE IMMUNODEFICIENCY. Identifiers: MedGen C3809991, MONDO:0014260, OMIM 615577.

gnomAD v4.1: 1 of 1,614,016 alleles (0.000062%); highest among the groups gnomAD compares: Non-Finnish European, 0.000085%; no homozygotes.

Submission:

Labcorp Genetics (formerly Invitae), Labcorp
Classification: Uncertain significance for Immunodeficiency, common variable, 10. Last evaluated: 2026-01-07. Review status: criteria provided, single submitter. Criteria: Invitae Variant Classification Sherloc (09022015). Collection method: clinical testing. Allele origin: germline.
Comment: This sequence change replaces glycine, which is neutral and non-polar, with serine, which is neutral and polar, at codon 550 of the NFKB2 protein (p.Gly550Ser). This variant is not present in population databases (gnomAD no frequency). This variant has not been reported in the literature in individuals affected with NFKB2-related conditions. An algorithm developed to predict the effect of missense changes on protein structure and function (PolyPhen-2) suggests that this variant is likely to be disruptive. Algorithms developed to predict the effect of sequence changes on RNA splicing suggest that this variant may create or strengthen a splice site. In summary, the available evidence is currently insufficient to determine the role of this variant in disease. Therefore, it has been classified as a Variant of Uncertain Significance.

NM_001322934.2(NFKB2):c.1648G>A (p.Gly550Ser)

Gene: NFKB2 (nuclear factor kappa B subunit 2; plus strand). Cytogenetic location: 10q24.32.
Variant type: single nucleotide variant.
Coding change: c.1648G>A on transcript NM_001322934.2 (MANE Select); coding-DNA position 1648, G replaced by A.
Protein change: p.Gly550Ser; replaces glycine 550 with serine.
Molecular consequence: missense variant.
Genome position (GRCh38, 1-based): chr10:102,400,341, G>A. VCF-style: chr10-102400341-G-A. GRCh37 (hg19) VCF-style: chr10-104160098-G-A.
Other names: c.1648G>A, p.Gly550Ser (NM_001077494.3, NM_001261403.3, NM_001288724.1 and 1 more transcripts); c.1522G>A, p.Gly508Ser (NM_001322935.1); short protein forms G508S, G550S.
Identifiers: ClinVar variation 4690971 (VCV004690971.1).